The following is an entry in ClinVar:

NM_000088.4(COL1A1):c.2525G>C (p.Gly842Ala)

Gene: COL1A1 (collagen type I alpha 1 chain; minus strand). Cytogenetic location: 17q21.33.
Variant type: single nucleotide variant.
Coding change: c.2525G>C on transcript NM_000088.4 (MANE Select); coding-DNA position 2525, G replaced by C.
Protein change: p.Gly842Ala; replaces glycine 842 with alanine.
Molecular consequence: missense variant.
Genome position (GRCh38, 1-based): chr17:50,190,035, C>G on the plus strand (G>C on the coding strand, the complement: COL1A1 is on the minus strand). VCF-style: chr17-50190035-C-G. GRCh37 (hg19) VCF-style: chr17-48267396-C-G.
Other names: short protein forms G842A.
Identifiers: ClinVar variation 4850911 (VCV004850911.1).

ClinVar aggregate classification (germline): Pathogenic (1 of 4 stars; one submission).

Conditions:
Osteogenesis imperfecta with normal sclerae, dominant form (OI4). Also called: OSTEOGENESIS IMPERFECTA WITH NORMAL SCLERAE; Osteogenesis imperfecta type 4; Osteogenesis Imperfecta Type IV; OSTEOGENESIS IMPERFECTA, TYPE IV, WITH DENTINOGENESIS IMPERFECTA; Common Variable Osteogenesis Imperfecta with Normal Sclerae. Identifiers: Orphanet 216820, Orphanet 666, MedGen C0268363, MONDO:0008148, OMIM 166220.

Submission:

Clinical Genetics and Genomics, Karolinska University Hospital
Classification: Pathogenic for Osteogenesis imperfecta with normal sclerae, dominant form. Last evaluated: 2026-04-07. Review status: criteria provided, single submitter. Criteria: ACMG Guidelines, 2015. Collection method: clinical testing. Allele origin: de novo. Affected: yes.
Comment: This sequence change replaces glycine with alanine at codon 842 of the COL1A1 protein (p.Gly842Ala). The glycine residue is highly conserved and there is a moderate physicochemical difference between glycine and alanine. Glycine residues within the Gly-Xaa-Yaa repeats of the triple helix domain are required for the structure and stability of fibrillar collagens (PMID: 7695699, 8218237, 19344236). In COL1A1, missense variants at these glycine residues are significantly enriched in individuals with disease (PMID: 9016532, 17078022) compared to the general population (gnomAD). For these reasons, this variant has been classified as Pathogenic.